The following is an entry in ClinVar:

NM_021224.6(ZNF462):c.6262T>C (p.Cys2088Arg)

Gene: ZNF462 (zinc finger protein 462; plus strand). Cytogenetic location: 9q31.2.
Variant type: single nucleotide variant.
Coding change: c.6262T>C on transcript NM_021224.6 (MANE Select); coding-DNA position 6262, T replaced by C.
Protein change: p.Cys2088Arg; replaces cysteine 2088 with arginine.
Molecular consequence: missense variant.
Genome position (GRCh38, 1-based): chr9:106,938,942, T>C. VCF-style: chr9-106938942-T-C. GRCh37 (hg19) VCF-style: chr9-109701223-T-C.
Other names: c.3667T>C, p.Cys1223Arg (NM_001347997.2); short protein forms C1223R, C2088R.
Identifiers: ClinVar variation 4534719 (VCV004534719.6).

ClinVar aggregate classification (germline): Uncertain significance (1 of 4 stars; one submission).

gnomAD v4.1: 1 of 1,611,872 alleles (0.000062%); highest among the groups gnomAD compares: Non-Finnish European, 0.000085%; no homozygotes.

Submission:

CeGaT Center for Human Genetics Tuebingen
Classification: Uncertain significance. Last evaluated: 2025-10-01. Review status: criteria provided, single submitter. Criteria: CeGaT Center For Human Genetics Tuebingen Variant Classification Criteria Version 2. Collection method: clinical testing. Allele origin: germline. Affected: yes. Observed: 1 variant allele.
Comment: ZNF462: PM2:Supporting, BP5